The following is an entry in ClinVar:

NM_001080449.3(DNA2):c.1677G>A (p.Leu559=)

Gene: DNA2 (DNA replication helicase/nuclease 2; minus strand). Cytogenetic location: 10q21.3.
Variant type: single nucleotide variant.
Coding change: c.1677G>A on transcript NM_001080449.3 (MANE Select); coding-DNA position 1677, G replaced by A.
Protein change: p.Leu559=; no amino-acid change (leucine 559 retained).
Molecular consequence: synonymous variant. On other transcripts: non-coding transcript variant (1).
Genome position (GRCh38, 1-based): chr10:68,432,480, C>T on the plus strand (G>A on the coding strand, the complement: DNA2 is on the minus strand). VCF-style: chr10-68432480-C-T. GRCh37 (hg19) VCF-style: chr10-70192237-C-T.
Other names: c.1677G>A (NM_001080449.2).
Identifiers: ClinVar variation 1629420 (VCV001629420.41), dbSNP rs769027938, ClinGen allele CA5525007.
Genomic context (GRCh38, chr10:68,432,480, plus strand): 5'-GGAAAGATTTCCTAATGGGGTATCTATATCACAATTTTTTTCTTCTTGGTCTAATCTGAA[C>T]AAAGTTGATTCTGGAAGGACCGACAAGTTTCTAAAACAACAAAACAAATATACATGAATG-3'
Protein context (NP_001073918.2, residues 549-569): RNLSVLPEST[Leu559=]FRLDQEEKNC

ClinVar aggregate classification (germline): Likely benign. Review status: criteria provided, multiple submitters, no conflicts (2 of 4 stars). 3 submissions from 3 submitters: Likely benign (2). 1 of the submissions does not count toward it. Last evaluated 2025-10-21.

Conditions:
DNA2-related disorder. Also called: DNA2-related condition.

Allele frequency attached by ClinVar (database versions not stated): gnomAD exomes 0.00002 and 0.00003; TOPMed 0.00002; ExAC 0.00004; gnomAD 0.00004.
gnomAD v4.1: 48 of 1,571,982 alleles (0.0031%); highest among the groups gnomAD compares: Non-Finnish European, 0.0038%; no homozygotes.

Submissions (3):

Labcorp Genetics (formerly Invitae), Labcorp
Classification: Likely benign. Last evaluated: 2025-10-21. Review status: criteria provided, single submitter. Criteria: Invitae Variant Classification Sherloc (09022015). Collection method: clinical testing. Allele origin: germline.

CeGaT Center for Human Genetics Tuebingen
Classification: Likely benign. Last evaluated: 2024-04-01. Review status: criteria provided, single submitter. Criteria: CeGaT Center For Human Genetics Tuebingen Variant Classification Criteria Version 2. Collection method: clinical testing. Allele origin: germline. Affected: yes. Observed: 3 variant alleles.
Comment: DNA2: BP4, BP7

PreventionGenetics, part of Exact Sciences
Classification: Likely benign for DNA2-related condition. Last evaluated: 2020-05-15. Review status: no assertion criteria provided. Collection method: clinical testing. Allele origin: germline. Not counted in ClinVar's aggregate classification.
Comment: This variant is classified as likely benign based on ACMG/AMP sequence variant interpretation guidelines (Richards et al. 2015 PMID: 25741868, with internal and published modifications).